The following is an entry in ClinVar:

NM_017780.4(CHD7):c.5602A>G (p.Ile1868Val)

Gene: CHD7 (chromodomain helicase DNA binding protein 7; plus strand). Cytogenetic location: 8q12.2.
Variant type: single nucleotide variant.
Coding change: c.5602A>G on transcript NM_017780.4 (MANE Select); coding-DNA position 5602, A replaced by G.
Protein change: p.Ile1868Val; replaces isoleucine 1868 with valine.
Molecular consequence: missense variant. On other transcripts: intron variant (1).
Genome position (GRCh38, 1-based): chr8:60,851,099, A>G. VCF-style: chr8-60851099-A-G. GRCh37 (hg19) VCF-style: chr8-61763658-A-G.
Other names: c.1717-11130A>G (NM_001316690.1); c.5602A>G (NM_017780.3); short protein forms I1868V.
Identifiers: ClinVar variation 3630558 (VCV003630558.3).
Genomic context (GRCh38, chr8:60,851,099, plus strand): 5'-TTTGATAGAGAAGATGAAGACCCAGAATATAAACCAACCAGAACACCGTTCAAAGATGAA[A>G]TAGATGTATGAACTTGAGTATATTGGCTTTTATAGCTCCATTAAAATATTATATGCCCAC-3'
Protein context (NP_060250.2, residues 1858-1878): KPTRTPFKDE[Ile1868Val]DEFANSPSED

ClinVar aggregate classification (germline): Uncertain significance. Review status: criteria provided, multiple submitters, no conflicts (2 of 4 stars). 2 submissions from 2 submitters: Uncertain significance (2). Last evaluated 2025-06-08.

Conditions:
Inborn genetic diseases. Identifiers: MedGen C0950123, MeSH D030342.
CHARGE syndrome (CHARGE). Also called: Hittner Hirsch Kreh syndrome; CHARGE ASSOCIATION--COLOBOMA, HEART ANOMALY, CHOANAL ATRESIA, RETARDATION, GENITAL AND EAR ANOMALIES; Coloboma, heart anomaly, choanal atresia, retardation, genital and ear anomalies; CHARGE association; Hall-Hittner syndrome. Identifiers: Orphanet 138, MedGen C0265354, MONDO:0008965.

Submissions (2):

Ambry Genetics
Classification: Uncertain significance for Inborn genetic diseases. Last evaluated: 2025-06-08. Review status: criteria provided, single submitter. Criteria: Ambry Variant Classification Scheme 2023. Collection method: clinical testing. Allele origin: germline.

Labcorp Genetics (formerly Invitae), Labcorp
Classification: Uncertain significance for CHARGE syndrome. Last evaluated: 2024-06-18. Review status: criteria provided, single submitter. Criteria: Invitae Variant Classification Sherloc (09022015). Collection method: clinical testing. Allele origin: germline.
Comment: This sequence change replaces isoleucine, which is neutral and non-polar, with valine, which is neutral and non-polar, at codon 1868 of the CHD7 protein (p.Ile1868Val). This variant is not present in population databases (gnomAD no frequency). This variant has not been reported in the literature in individuals affected with CHD7-related conditions. Advanced modeling of protein sequence and biophysical properties (such as structural, functional, and spatial information, amino acid conservation, physicochemical variation, residue mobility, and thermodynamic stability) performed at Invitae indicates that this missense variant is not expected to disrupt CHD7 protein function with a negative predictive value of 95%. In summary, the available evidence is currently insufficient to determine the role of this variant in disease. Therefore, it has been classified as a Variant of Uncertain Significance.